The following is an entry in ClinVar:

NM_004168.4(SDHA):c.1064+2T>A

Gene: SDHA (succinate dehydrogenase complex flavoprotein subunit A; plus strand). Cytogenetic location: 5p15.33.
Variant type: single nucleotide variant.
Coding change: c.1064+2T>A on transcript NM_004168.4 (MANE Select); the canonical splice donor site of the intron after coding-DNA position 1064, T replaced by A.
Molecular consequence: splice donor variant.
Genome position (GRCh38, 1-based): chr5:233,647, T>A. VCF-style: chr5-233647-T-A. GRCh37 (hg19) VCF-style: chr5-233762-T-A.
Other names: c.1064+2T>A (NM_001330758.2); c.920+2T>A (NM_001294332.2).
Identifiers: ClinVar variation 472287 (VCV000472287.16), dbSNP rs1553999072, ClinGen allele CA359013038.

ClinVar aggregate classification (germline): Likely pathogenic. Review status: criteria provided, multiple submitters, no conflicts (2 of 4 stars). 5 submissions from 5 submitters: Likely pathogenic (5). Last evaluated 2025-11-24.

Conditions:
Pheochromocytoma/paraganglioma syndrome 5. Also called: Paragangliomas 5; SDHA-Related Hereditary Paraganglioma-Pheochromocytoma Syndrome. Identifiers: Orphanet 29072, MedGen C3279992, MONDO:0013602, OMIM 614165.
Mitochondrial complex II deficiency, nuclear type 1. Also called: SUCCINATE CoQ REDUCTASE DEFICIENCY. Identifiers: Orphanet 3208, MedGen C5700310, MONDO:0100294, OMIM 252011.
Dilated cardiomyopathy 1GG (CMD1GG). Identifiers: Orphanet 154, MedGen C3150898, MONDO:0013339, OMIM 613642.
SDHA-related disorder. Also called: SDHA-related disorders; SDHA-related condition.
Hereditary cancer-predisposing syndrome. Also called: Hereditary neoplastic syndrome; Neoplastic Syndromes, Hereditary; Hereditary Cancer Syndrome; Tumor predisposition. Identifiers: Orphanet 140162, MedGen C0027672, MeSH D009386, MONDO:0015356.

Submissions (5):

Labcorp Genetics (formerly Invitae), Labcorp
Classification: Likely pathogenic for Pheochromocytoma/paraganglioma syndrome 5; Mitochondrial complex II deficiency, nuclear type 1. Last evaluated: 2025-11-24. Review status: criteria provided, single submitter. Criteria: Invitae Variant Classification Sherloc (09022015). Collection method: clinical testing. Allele origin: germline.
Comment: This sequence change affects a donor splice site in intron 8 of the SDHA gene. It is expected to disrupt RNA splicing. Variants that disrupt the donor or acceptor splice site typically lead to a loss of protein function (PMID: 16199547), and loss-of-function variants in SDHA are known to be pathogenic (PMID: 22974104, 24781757). This variant is not present in population databases (gnomAD no frequency). This variant has not been reported in the literature in individuals affected with SDHA-related conditions. ClinVar contains an entry for this variant (Variation ID: 472287). Algorithms developed to predict the effect of sequence changes on RNA splicing suggest that this variant may disrupt the consensus splice site. In summary, the currently available evidence indicates that the variant is pathogenic, but additional data are needed to prove that conclusively. Therefore, this variant has been classified as Likely Pathogenic.

Ambry Genetics
Classification: Likely pathogenic for Hereditary cancer-predisposing syndrome. Last evaluated: 2024-11-12. Review status: criteria provided, single submitter. Criteria: Ambry Variant Classification Scheme 2023. Collection method: clinical testing. Allele origin: germline.
Comment: The c.1064+2T>A intronic variant results from a T to A substitution two nucleotides after coding exon 8 in the SDHA gene. This nucleotide position is highly conserved in available vertebrate species. In silico splice site analysis predicts that this alteration will weaken the native splice donor site. RNA studies have demonstrated that this alteration results in abnormal splicing in the set of samples tested (Ambry internal data). This variant is considered to be rare based on population cohorts in the Genome Aggregation Database (gnomAD). Alterations that disrupt the canonical splice site are expected to cause aberrant splicing, resulting in an abnormal protein or a transcript that is subject to nonsense-mediated mRNA decay. As such, this alteration is classified as likely pathogenic.

Myriad Genetics, Inc.
Classification: Likely pathogenic for Pheochromocytoma/paraganglioma syndrome 5. Last evaluated: 2024-02-08. Review status: criteria provided, single submitter. Criteria: Myriad Autosomal Dominant, Autosomal Recessive and X-Linked Classification Criteria (2023). Collection method: clinical testing. Allele origin: unknown.
Comment: This variant is considered likely pathogenic. This variant occurs within a consensus splice junction and is predicted to result in abnormal mRNA splicing of either an out-of-frame exon or an in-frame exon necessary for protein stability and/or normal function.

Blueprint Genetics
Classification: Likely pathogenic for SDHA-related disorders. Last evaluated: 2023-03-30. Review status: criteria provided, single submitter. Criteria: ACMG Guidelines, 2015. Collection method: clinical testing. Allele origin: germline. Affected: yes. Observed: 1 variant allele.

Baylor Genetics
Classification: Likely pathogenic for Dilated cardiomyopathy 1GG. Last evaluated: 2021-09-06. Review status: criteria provided, single submitter. Criteria: ACMG Guidelines, 2015. Collection method: clinical testing. Allele origin: unknown.

Literature cited by the submitters: PubMed 16199547 (cited by Labcorp Genetics (formerly Invitae), Labcorp); PubMed 22974104 (cited by Labcorp Genetics (formerly Invitae), Labcorp); PubMed 24781757 (cited by Labcorp Genetics (formerly Invitae), Labcorp).